The following is an entry in ClinVar:

NM_001253852.3(AP4B1):c.1071G>A (p.Thr357=)

Genes: AP4B1 (adaptor related protein complex 4 subunit beta 1; minus strand), AP4B1-AS1 (AP4B1 antisense RNA 1; plus strand). Cytogenetic location: 1p13.2.
Variant type: single nucleotide variant.
Coding change: c.1071G>A on transcript NM_001253852.3 (MANE Select); coding-DNA position 1071, G replaced by A.
Protein change: p.Thr357=; no amino-acid change (threonine 357 retained).
Molecular consequence: synonymous variant. On other transcripts: non-coding transcript variant (2).
Genome position (GRCh38, 1-based): chr1:113,899,947, C>T on the plus strand (G>A on the coding strand, the complement: AP4B1 is on the minus strand). VCF-style: chr1-113899947-C-T. GRCh37 (hg19) VCF-style: chr1-114442569-C-T.
Other names: c.774G>A, p.Thr258= (NM_001253853.3); c.567G>A, p.Thr189= (NM_001308312.2); c.1071G>A, p.Thr357= (NM_006594.5).
Identifiers: ClinVar variation 1125511 (VCV001125511.36), dbSNP rs373289645, ClinGen allele CA1015935.

ClinVar aggregate classification (germline): Likely benign. Review status: criteria provided, multiple submitters, no conflicts (2 of 4 stars). 5 submissions from 5 submitters: Likely benign (5). Last evaluated 2024-10-23.

Conditions:
Hereditary spastic paraplegia 47. Also called: Spastic paraplegia 47, autosomal recessive; CEREBRAL PALSY, SPASTIC QUADRIPLEGIC, 5; adaptor protein 4 (AP-4) deficiency syndrome. Identifiers: Orphanet 280763, MedGen C3279738, MONDO:0013551, OMIM 614066.
Inborn genetic diseases. Identifiers: MedGen C0950123, MeSH D030342.

Allele frequency attached by ClinVar (database versions not stated): ExAC 0.00002; gnomAD exomes 0.00002 and 0.00003; TOPMed 0.00002; gnomAD 0.00004; ESP Exome Variant Server 0.00008.
gnomAD v4.1: 43 of 1,614,058 alleles (0.0027%); highest among the groups gnomAD compares: African/African-American, 0.016%; no homozygotes.

Submissions (5):

Labcorp Genetics (formerly Invitae), Labcorp
Classification: Likely benign for Hereditary spastic paraplegia 47. Last evaluated: 2024-10-23. Review status: criteria provided, single submitter. Criteria: Invitae Variant Classification Sherloc (09022015). Collection method: clinical testing. Allele origin: germline.

Genome-Nilou Lab
Classification: Likely benign for Hereditary spastic paraplegia 47. Last evaluated: 2023-04-11. Review status: criteria provided, single submitter. Criteria: ACMG Guidelines, 2015. Collection method: clinical testing. Allele origin: germline. Affected: no.

CeGaT Center for Human Genetics Tuebingen
Classification: Likely benign. Last evaluated: 2022-07-01. Review status: criteria provided, single submitter. Criteria: CeGaT Center For Human Genetics Tuebingen Variant Classification Criteria Version 2. Collection method: clinical testing. Allele origin: germline. Affected: yes. Observed: 1 variant allele.
Comment: AP4B1: BP4, BP7

Blueprint Genetics
Classification: Likely benign. Last evaluated: 2021-06-22. Review status: criteria provided, single submitter. Criteria: ACMG Guidelines, 2015. Collection method: clinical testing. Allele origin: germline.

Ambry Genetics
Classification: Likely benign for Inborn genetic diseases. Last evaluated: 2018-11-28. Review status: criteria provided, single submitter. Criteria: Ambry Variant Classification Scheme 2023. Collection method: clinical testing. Allele origin: germline.